The following is an entry in ClinVar:

NM_000372.5(TYR):c.70T>C (p.Cys24Arg)

Gene: TYR (tyrosinase; plus strand). Cytogenetic location: 11q14.3.
Variant type: single nucleotide variant.
Coding change: c.70T>C on transcript NM_000372.5 (MANE Select); coding-DNA position 70, T replaced by C.
Protein change: p.Cys24Arg; replaces cysteine 24 with arginine.
Molecular consequence: missense variant.
Genome position (GRCh38, 1-based): chr11:89,178,023, T>C. VCF-style: chr11-89178023-T-C. GRCh37 (hg19) VCF-style: chr11-88911191-T-C.
Other names: short protein forms C24R.
Identifiers: ClinVar variation 3375067 (VCV003375067.1).
Genomic context (GRCh38, chr11:89,178,023, plus strand): 5'-GCTGTTTTGTACTGCCTGCTGTGGAGTTTCCAGACCTCCGCTGGCCATTTCCCTAGAGCC[T>C]GTGTCTCCTCTAAGAACCTGATGGAGAAGGAATGCTGTCCACCGTGGAGCGGGGACAGGA-3'
Protein context (NP_000363.1, residues 14-34): QTSAGHFPRA[Cys24Arg]VSSKNLMEKE

ClinVar aggregate classification (germline): Pathogenic (1 of 4 stars; one submission).

Conditions:
Oculocutaneous albinism. Identifiers: Orphanet 55, MedGen C0078918, MONDO:0018910.

Submission:

Women's Health and Genetics/Laboratory Corporation of America, LabCorp
Classification: Pathogenic for Oculocutaneous albinism. Last evaluated: 2024-09-04. Review status: criteria provided, single submitter. Criteria: LabCorp Variant Classification Summary - May 2015. Collection method: clinical testing. Allele origin: germline.
Comment: Variant summary: TYR c.70T>C (p.Cys24Arg) results in a non-conservative amino acid change in the encoded protein sequence. Five of five in-silico tools predict a damaging effect of the variant on protein function. The variant was absent in 251472 control chromosomes. c.70T>C has been reported in the literature in the presumed compound heterozygous or homozygous state in multiple individuals affected with Oculocutaneous Albinism (example, Wei_2010, Wei_2022). These data indicate that the variant is likely to be associated with disease. A different variant affecting the same codon has been classified as pathogenic by our lab (c.71G>A, p.Cys24Tyr), supporting the critical relevance of codon 24 to TYR protein function. To our knowledge, no experimental evidence demonstrating an impact on protein function has been reported. The following publications have been ascertained in the context of this evaluation (PMID: 19865097, 34838614). No submitters have cited clinical-significance assessments for this variant to ClinVar. Based on the evidence outlined above, the variant was classified as pathogenic.

Literature cited by the submitters: PubMed 19865097; PubMed 34838614.